The following is an entry in ClinVar:

NM_001386094.1(AGBL1):c.116-10T>C

Gene: AGBL1 (AGBL carboxypeptidase 1; plus strand). Cytogenetic location: 15q25.3.
Variant type: single nucleotide variant.
Coding change: c.116-10T>C on transcript NM_001386094.1 (MANE Select); 10 bases into the intron before coding-DNA position 116, T replaced by C.
Molecular consequence: intron variant.
Genome position (GRCh38, 1-based): chr15:86,143,689, T>C. VCF-style: chr15-86143689-T-C. GRCh37 (hg19) VCF-style: chr15-86686920-T-C.
Other names: c.116-10T>C (NM_152336.4).
Identifiers: ClinVar variation 3041776 (VCV003041776.2), dbSNP rs762602881, ClinGen allele CA7715227.

ClinVar aggregate classification (germline): Likely benign (0 of 4 stars; one submission).

Conditions:
AGBL1-related disorder. Also called: AGBL1-related condition.

Allele frequency attached by ClinVar (database versions not stated): TOPMed 0.00001; gnomAD exomes 0.00002; ExAC 0.00003.
gnomAD v4.1: 29 of 1,612,436 alleles (0.0018%); highest among the groups gnomAD compares: Non-Finnish European, 0.0014%; no homozygotes.

Submission:

PreventionGenetics, part of Exact Sciences
Classification: Likely benign for AGBL1-related condition. Last evaluated: 2019-05-14. Review status: no assertion criteria provided. Collection method: clinical testing. Allele origin: germline.
Comment: This variant is classified as likely benign based on ACMG/AMP sequence variant interpretation guidelines (Richards et al. 2015 PMID: 25741868, with internal and published modifications).